The following is an entry in ClinVar:

ClinVar aggregate classification (germline): Conflicting classifications of pathogenicity. Review status: criteria provided, conflicting classifications (1 of 4 stars). 2 submissions from 2 submitters: Uncertain significance (1); Likely benign (1). Last evaluated 2023-03-23.

Conditions:
Hereditary cancer-predisposing syndrome. Also called: Neoplastic Syndromes, Hereditary; Tumor predisposition; Hereditary Cancer Syndrome; Hereditary neoplastic syndrome. Identifiers: Orphanet 140162, MedGen C0027672, MeSH D009386, MONDO:0015356.
Hereditary breast ovarian cancer syndrome. Also called: Breast and ovarian cancer; BRCA1- and BRCA2-Associated Hereditary Breast and Ovarian Cancer; Hereditary breast and ovarian cancer; Hereditary breast and ovarian cancer syndrome (HBOC); Hereditary breast and/or ovarian cancer syndrome; Hereditary breast and ovarian cancer syndrome. Identifiers: Orphanet 145, MedGen C0677776, MeSH D061325, MONDO:0003582. Disease mechanism: loss of function.

Submissions (2):

University of Washington Department of Laboratory Medicine, University of Washington
Classification: Likely benign for Hereditary cancer-predisposing syndrome. Last evaluated: 2023-03-23. Review status: criteria provided, single submitter. Criteria: Dines et al. (Genet Med. 2020). Collection method: curation. Allele origin: germline.
Comment: Missense variant in a coldspot region where missense variants are very unlikely to be pathogenic (PMID:31911673).

BRCA2 exon 10 coldspot. Reclassification based on statistical prior probability.

Labcorp Genetics (formerly Invitae), Labcorp
Classification: Uncertain significance for Hereditary breast ovarian cancer syndrome. Last evaluated: 2018-12-20. Review status: criteria provided, single submitter. Criteria: Invitae Variant Classification Sherloc (09022015). Collection method: clinical testing. Allele origin: germline.
Comment: This variant is not present in population databases (ExAC no frequency). In summary, the available evidence is currently insufficient to determine the role of this variant in disease. Therefore, it has been classified as a Variant of Uncertain Significance. Algorithms developed to predict the effect of missense changes on protein structure and function are either unavailable or do not agree on the potential impact of this missense change (SIFT: "Tolerated"; PolyPhen-2: "Possibly Damaging"; Align-GVGD: "Class C0"). This variant has not been reported in the literature in individuals with BRCA2-related conditions. This sequence change replaces serine with threonine at codon 547 of the BRCA2 protein (p.Ser547Thr). The serine residue is moderately conserved and there is a small physicochemical difference between serine and threonine.

NM_000059.4(BRCA2):c.1639T>A (p.Ser547Thr)

Gene: BRCA2 (BRCA2 DNA repair associated; plus strand). Cytogenetic location: 13q13.1.
Variant type: single nucleotide variant.
Coding change: c.1639T>A on transcript NM_000059.4 (MANE Select); coding-DNA position 1639, T replaced by A.
Protein change: p.Ser547Thr; replaces serine 547 with threonine.
Molecular consequence: missense variant.
Genome position (GRCh38, 1-based): chr13:32,333,117, T>A. VCF-style: chr13-32333117-T-A. GRCh37 (hg19) VCF-style: chr13-32907254-T-A.
Other names: short protein forms S547T.
Identifiers: ClinVar variation 650598 (VCV000650598.10), dbSNP rs1593893412, ClinGen allele CA387764956.
Genomic context (GRCh38, chr13:32,333,117, plus strand): 5'-CCAAACTTTAAAAAAGAAACTGAAGCCTCTGAAAGTGGACTGGAAATACATACTGTTTGC[T>A]CACAGAAGGAGGACTCCTTATGTCCAAATTTAATTGATAATGGAAGCTGGCCAGCCACCA-3'
Protein context (NP_000050.3, residues 537-557): ESGLEIHTVC[Ser547Thr]QKEDSLCPNL